The following is an entry in ClinVar:

ClinVar aggregate classification (germline): Likely benign. Review status: criteria provided, multiple submitters, no conflicts (2 of 4 stars). 7 submissions from 7 submitters: Likely benign (6). 1 of the submissions does not count toward it. Last evaluated 2025-12-02.

Conditions:
BLM-related disorder. Also called: BLM-related condition.
Hereditary cancer-predisposing syndrome. Also called: Hereditary neoplastic syndrome; Neoplastic Syndromes, Hereditary; Hereditary Cancer Syndrome; Tumor predisposition. Identifiers: Orphanet 140162, MedGen C0027672, MeSH D009386, MONDO:0015356.
Bloom syndrome (BLM). Also called: Bloom-Torre-Machacek syndrome. Identifiers: Orphanet 125, MedGen C0005859, MONDO:0008876, OMIM 210900.

Allele frequency attached by ClinVar (database versions not stated): gnomAD 0.00003; TOPMed 0.00004.
gnomAD v4.1: 43 of 1,613,586 alleles (0.0027%); highest among the groups gnomAD compares: South Asian, 0.0033%; 1 homozygote.

Submissions (7):

Labcorp Genetics (formerly Invitae), Labcorp
Classification: Likely benign for Bloom syndrome. Last evaluated: 2025-12-02. Review status: criteria provided, single submitter. Criteria: Invitae Variant Classification Sherloc (09022015). Collection method: clinical testing. Allele origin: germline.

PreventionGenetics, part of Exact Sciences
Classification: Likely benign for BLM-related condition. Last evaluated: 2025-09-16. Review status: criteria provided, single submitter. Criteria: ACMG Guidelines, 2015. Collection method: clinical testing. Allele origin: germline.
Comment: This variant is classified as likely benign based on ACMG/AMP sequence variant interpretation guidelines (Richards et al. 2015 PMID: 25741868, with internal and published modifications).

Blueprint Genetics
Classification: Likely benign. Last evaluated: 2024-10-02. Review status: criteria provided, single submitter. Criteria: ACMG Guidelines, 2015. Collection method: clinical testing. Allele origin: germline.

CeGaT Center for Human Genetics Tuebingen
Classification: Likely benign. Last evaluated: 2024-01-01. Review status: criteria provided, single submitter. Criteria: CeGaT Center For Human Genetics Tuebingen Variant Classification Criteria Version 2. Collection method: clinical testing. Allele origin: germline. Affected: yes. Observed: 2 variant alleles.
Comment: BLM: BP4, BP7

Ambry Genetics
Classification: Likely benign for Hereditary cancer-predisposing syndrome. Last evaluated: 2023-12-28. Review status: criteria provided, single submitter. Criteria: Ambry Variant Classification Scheme 2023. Collection method: clinical testing. Allele origin: germline.

Mendelics
Classification: Likely benign for Bloom syndrome. Last evaluated: 2018-07-02. Review status: criteria provided, single submitter. Criteria: Mendelics Assertion Criteria 2017. Collection method: clinical testing. Allele origin: unknown.

Natera, Inc.
Classification: Likely benign for Bloom syndrome. Last evaluated: 2018-05-29. Review status: no assertion criteria provided. Collection method: clinical testing. Allele origin: germline. Not counted in ClinVar's aggregate classification.

NM_000057.4(BLM):c.2106T>A (p.Pro702=)

Gene: BLM (BLM RecQ like helicase; plus strand). Cytogenetic location: 15q26.1.
Variant type: single nucleotide variant.
Coding change: c.2106T>A on transcript NM_000057.4 (MANE Select); coding-DNA position 2106, T replaced by A.
Protein change: p.Pro702=; no amino-acid change (proline 702 retained).
Molecular consequence: synonymous variant.
Genome position (GRCh38, 1-based): chr15:90,765,327, T>A. VCF-style: chr15-90765327-T-A. GRCh37 (hg19) VCF-style: chr15-91308557-T-A.
Other names: c.2106T>A, p.Pro702= (NM_001287246.2, NM_001287247.2); c.981T>A, p.Pro327= (NM_001287248.2).
Identifiers: ClinVar variation 454093 (VCV000454093.47), dbSNP rs529421306, ClinGen allele CA7738664.